The following is an entry in ClinVar:

NM_170707.4(LMNA):c.1158-1G>A

Gene: LMNA (lamin A/C; plus strand). Cytogenetic location: 1q22.
Variant type: single nucleotide variant.
Coding change: c.1158-1G>A on transcript NM_170707.4 (MANE Select); the canonical splice acceptor site of the intron before coding-DNA position 1158, G replaced by A.
Molecular consequence: splice acceptor variant.
Genome position (GRCh38, 1-based): chr1:156,136,213, G>A. VCF-style: chr1-156136213-G-A. GRCh37 (hg19) VCF-style: chr1-156106004-G-A.
Other names: c.1158-1G>A (NM_001406983.1, NM_001282625.2, NM_001406984.1 and 6 more transcripts); c.600-1G>A (NM_001407002.1, NM_001406993.1, NM_001407003.1 and 4 more transcripts); c.534-1G>A (NM_001406999.1, NM_001407000.1, NM_001406994.1 and 1 more transcripts); c.915-1G>A (NM_001406986.1, NM_001406987.1, NM_001282624.2); c.822-1G>A (NM_001406989.1, NM_001257374.3, NM_001406998.1); c.861-1G>A (NM_001406988.1).
Identifiers: ClinVar variation 3629832 (VCV003629832.1).

ClinVar aggregate classification (germline): Pathogenic (1 of 4 stars; one submission).

Conditions:
Primary familial dilated cardiomyopathy (FDC). Also called: Familial dilated cardiomyopathy; Hypokinetic dilated cardiomyopathy, familial. Identifiers: Orphanet 217607, MedGen C0340427, MONDO:0016333.

gnomAD v4.1: 1 of 1,612,628 alleles (0.000062%); highest among the groups gnomAD compares: Non-Finnish European, 0.000085%; no homozygotes.

Submission:

Women's Health and Genetics/Laboratory Corporation of America, LabCorp
Classification: Pathogenic for Primary familial dilated cardiomyopathy. Last evaluated: 2024-11-04. Review status: criteria provided, single submitter. Criteria: LabCorp Variant Classification Summary - May 2015. Collection method: clinical testing. Allele origin: germline.
Comment: Variant summary: LMNA c.1158-1G>A is located in a canonical splice-site and is predicted to affect mRNA splicing resulting in a significantly altered protein due to either exon skipping, shortening, or inclusion of intronic material. Variants that disrupt the consensus splice site are a relatively common cause of aberrant splicing and loss of LMNA function. Several computational tools predict a significant impact on normal splicing: Four predict the variant abolishes a canonical 3' acceptor site. Three predict the variant creates a cryptic 3' acceptor site. However, these predictions have yet to be confirmed by functional studies. The variant was absent in 248700 control chromosomes (gnomAD). c.1158-1G>A has been reported in the literature in individuals affected with cardiac conduction disorders/cardiac laminopathies (e.g. Anselme_2013, Park_2020, Barriales-Villa_2021). These data indicate that the variant is likely to be associated with disease. The following publications have been ascertained in the context of this evaluation (PMID: 31383942, 32616434, 23811080). No submitters have cited clinical-significance assessments for this variant to ClinVar. Based on the evidence outlined above, the variant was classified as pathogenic.

Literature cited by the submitters: PubMed 31383942; PubMed 23811080; PubMed 32616434.